The following is an entry in ClinVar:

NM_000093.5(COL5A1):c.2484+1G>T

Gene: COL5A1 (collagen type V alpha 1 chain; plus strand). Cytogenetic location: 9q34.3.
Variant type: single nucleotide variant.
Coding change: c.2484+1G>T on transcript NM_000093.5 (MANE Select); the canonical splice donor site of the intron after coding-DNA position 2484, G replaced by T.
Molecular consequence: splice donor variant.
Genome position (GRCh38, 1-based): chr9:134,782,721, G>T. VCF-style: chr9-134782721-G-T. GRCh37 (hg19) VCF-style: chr9-137674567-G-T.
Other names: c.2484+1G>T (NM_001278074.1).
Identifiers: ClinVar variation 565753 (VCV000565753.8), dbSNP rs1564455577, ClinGen allele CA375454113.

ClinVar aggregate classification (germline): Likely pathogenic (1 of 4 stars; one submission).

Conditions:
Ehlers-Danlos syndrome, classic type, 1 (EDSCL1). Also called: Ehlers-Danlos Syndrome, Classic Type, COL5A1-Related; EDS I; Ehlers-Danlos syndrome, type 1; EHLERS-DANLOS SYNDROME, GRAVIS TYPE; EHLERS-DANLOS SYNDROME, SEVERE CLASSIC TYPE. Identifiers: MedGen C0268335, MONDO:0019567, OMIM 130000.

Submission:

Labcorp Genetics (formerly Invitae), Labcorp
Classification: Likely pathogenic for Ehlers-Danlos syndrome, classic type, 1. Last evaluated: 2018-03-28. Review status: criteria provided, single submitter. Criteria: Invitae Variant Classification Sherloc (09022015). Collection method: clinical testing. Allele origin: germline.
Comment: This variant is not present in population databases (ExAC no frequency). This sequence change affects a donor splice site in intron 29 of the COL5A1 gene. It is expected to disrupt RNA splicing and likely results in an absent or disrupted protein product. This variant has not been reported in the literature in individuals with COL5A1-related disease. Algorithms developed to predict the effect of sequence changes on RNA splicing suggest that this variant may disrupt the consensus splice site, but this prediction has not been confirmed by published transcriptional studies. Donor and acceptor splice site variants typically lead to a loss of protein function (PMID: 16199547), and loss-of-function variants in COL5A1 are known to be pathogenic (PMID: 23587214). In summary, the currently available evidence indicates that the variant is pathogenic, but additional data are needed to prove that conclusively. Therefore, this variant has been classified as Likely Pathogenic.

Literature cited by the submitters: PubMed 16199547; PubMed 23587214.